The following is an entry in ClinVar:

ClinVar aggregate classification (germline): Uncertain significance (1 of 4 stars; one submission).

Conditions:
Familial episodic pain syndrome with predominantly lower limb involvement. Also called: Episodic pain syndrome, familial, 3. Identifiers: Orphanet 391384, Orphanet 391392, MedGen C3809899, MONDO:0014247, OMIM 615552.
Hereditary sensory and autonomic neuropathy type 7. Also called: HSAN VII; Neuropathy, hereditary sensory and autonomic, type VII. Identifiers: Orphanet 391397, MedGen C3809882, MONDO:0014244, OMIM 615548.

gnomAD v4.1: 5 of 1,587,538 alleles (0.00031%); highest among the groups gnomAD compares: African/African-American, 0.0013%; no homozygotes.

Submission:

Labcorp Genetics (formerly Invitae), Labcorp
Classification: Uncertain significance for Familial episodic pain syndrome with predominantly lower limb involvement; Hereditary sensory and autonomic neuropathy type 7. Last evaluated: 2019-10-09. Review status: criteria provided, single submitter. Criteria: Invitae Variant Classification Sherloc (09022015). Collection method: clinical testing. Allele origin: germline.
Comment: In summary, the available evidence is currently insufficient to determine the role of this variant in disease. Therefore, it has been classified as a Variant of Uncertain Significance. Algorithms developed to predict the effect of missense changes on protein structure and function (SIFT, PolyPhen-2, Align-GVGD) all suggest that this variant is likely to be tolerated, but these predictions have not been confirmed by published functional studies and their clinical significance is uncertain. This variant has not been reported in the literature in individuals with SCN11A-related conditions. This variant is not present in population databases (ExAC no frequency). This sequence change replaces valine with isoleucine at codon 987 of the SCN11A protein (p.Val987Ile). The valine residue is weakly conserved and there is a small physicochemical difference between valine and isoleucine.

NM_001349253.2(SCN11A):c.2959G>A (p.Val987Ile)

Gene: SCN11A (sodium voltage-gated channel alpha subunit 11; minus strand). Cytogenetic location: 3p22.2.
Variant type: single nucleotide variant.
Coding change: c.2959G>A on transcript NM_001349253.2 (MANE Select); coding-DNA position 2959, G replaced by A.
Protein change: p.Val987Ile; replaces valine 987 with isoleucine.
Molecular consequence: missense variant.
Genome position (GRCh38, 1-based): chr3:38,885,393, C>T on the plus strand (G>A on the coding strand, the complement: SCN11A is on the minus strand). VCF-style: chr3-38885393-C-T. GRCh37 (hg19) VCF-style: chr3-38926884-C-T.
Other names: c.2959G>A, p.Val987Ile (NM_014139.3); short protein forms V987I.
Identifiers: ClinVar variation 960093 (VCV000960093.7), dbSNP rs2065380258, ClinGen allele CA352173882.